The following is an entry in ClinVar:

NM_000051.4(ATM):c.4765del (p.Ser1589fs)

Gene: ATM (ATM serine/threonine kinase; plus strand). Cytogenetic location: 11q22.3.
Variant type: Deletion.
Coding change: c.4765del on transcript NM_000051.4 (MANE Select); coding-DNA position 4765, one base deleted (T; older notation c.4765delT).
Protein change: p.Ser1589fs; shifts the reading frame from serine 1589.
Molecular consequence: frameshift variant.
Genome position (GRCh38, 1-based): chr11:108,293,466, T deleted; the last of 4 consecutive T bases (chr11:108,293,463-108,293,466); deleting any one gives the same sequence. VCF-style (leftmost placement, unchanged base first): chr11-108293462-CT-C. GRCh37 (hg19) VCF-style: chr11-108164189-CT-C.
Other names: c.4765del, p.Ser1589fs (NM_001351834.2); short protein forms S1589fs.
Identifiers: ClinVar variation 3650560 (VCV003650560.2).

ClinVar aggregate classification (germline): Pathogenic (1 of 4 stars; one submission).

Conditions:
Ataxia-telangiectasia syndrome (AT). Also called: ATAXIA-TELANGIECTASIA, COMPLEMENTATION GROUP A; ATAXIA-TELANGIECTASIA, FRESNO VARIANT; LOUIS-BAR SYNDROME; Ataxia-telangiectasia, complementation group D; Ataxia-telangiectasia, complementation group E; Cerebello-oculocutaneous telangiectasia. Identifiers: Orphanet 100, MedGen C0004135, MONDO:0008840, OMIM 208900.

Submission:

Labcorp Genetics (formerly Invitae), Labcorp
Classification: Pathogenic for Ataxia-telangiectasia syndrome. Last evaluated: 2024-04-22. Review status: criteria provided, single submitter. Criteria: Invitae Variant Classification Sherloc (09022015). Collection method: clinical testing. Allele origin: germline.
Comment: This sequence change creates a premature translational stop signal (p.Ser1589Hisfs*12) in the ATM gene. It is expected to result in an absent or disrupted protein product. Loss-of-function variants in ATM are known to be pathogenic (PMID: 23807571, 25614872). This variant is not present in population databases (gnomAD no frequency). This variant has not been reported in the literature in individuals affected with ATM-related conditions. For these reasons, this variant has been classified as Pathogenic.

Literature cited by the submitters: PubMed 23807571; PubMed 25614872.